The following is an entry in ClinVar:

ClinVar aggregate classification (germline): Uncertain significance (1 of 4 stars; one submission).

Conditions:
Familial isolated arrhythmogenic right ventricular dysplasia. Identifiers: Orphanet 217656, MedGen C4274968, MONDO:0016342.

Submission:

All of Us Research Program, National Institutes of Health
Classification: Uncertain significance for Familial isolated arrhythmogenic right ventricular dysplasia. Last evaluated: 2024-02-22. Review status: criteria provided, single submitter. Criteria: ACMG Guidelines, 2015. Collection method: clinical testing. Allele origin: germline. Inheritance: Autosomal dominant inheritance. Observed: 1 variant allele, 1 heterozygote.
Comment: This variant is located in the DSC2 protein. To our knowledge, functional studies have not been reported for this variant. This variant has not been reported in individuals affected with DSC2-related disorders in the literature. This variant has not been identified in the general population by the Genome Aggregation Database (gnomAD). The available evidence is insufficient to determine the role of this variant in disease conclusively. Therefore, this variant is classified as a Variant of Uncertain Significance.

This study involves interpretation of variants in research participants for the purpose of population health screening. Participant phenotype was not available at the time of variant classification. Additional details can be found in publication PMID: 35346344, PMCID: PMC8962531

NM_024422.6(DSC2):c.630G>A (p.Glu210=)

Gene: DSC2 (desmocollin 2; minus strand). Cytogenetic location: 18q12.1.
Variant type: single nucleotide variant.
Coding change: c.630G>A on transcript NM_024422.6 (MANE Select); coding-DNA position 630, G replaced by A.
Protein change: p.Glu210=; no amino-acid change (glutamic acid 210 retained).
Molecular consequence: synonymous variant.
Genome position (GRCh38, 1-based): chr18:31,089,439, C>T on the plus strand (G>A on the coding strand, the complement: DSC2 is on the minus strand). VCF-style: chr18-31089439-C-T. GRCh37 (hg19) VCF-style: chr18-28669402-C-T.
Other names: c.201G>A, p.Glu67= (NM_001406506.1, NM_001406507.1); c.630G>A, p.Glu210= (NM_004949.5).
Identifiers: ClinVar variation 3386543 (VCV003386543.1).